The following is an entry in ClinVar:

ClinVar aggregate classification (germline): Likely benign (1 of 4 stars; one submission).

gnomAD v4.1: 6 of 1,613,480 alleles (0.00037%); highest among the groups gnomAD compares: South Asian, 0.0044%; no homozygotes.

Submission:

CeGaT Center for Human Genetics Tuebingen
Classification: Likely benign. Last evaluated: 2026-08-01. Review status: criteria provided, single submitter. Criteria: CeGaT Center For Human Genetics Tuebingen Variant Classification Criteria Version 2. Collection method: clinical testing. Allele origin: germline. Affected: yes. Observed: 1 variant allele.
Comment: ASAH1: BP4

NM_004315.6(ASAH1):c.13A>G (p.Ile5Val)

Gene: ASAH1 (N-acylsphingosine amidohydrolase 1; minus strand). Cytogenetic location: 8p22.
Variant type: single nucleotide variant.
Coding change: c.13A>G on transcript NM_004315.6; coding-DNA position 13, A replaced by G.
Protein change: p.Ile5Val; replaces isoleucine 5 with valine.
Molecular consequence: missense variant.
Genome position (GRCh38, 1-based): chr8:18,084,789, T>C on the plus strand (A>G on the coding strand, the complement: ASAH1 is on the minus strand). VCF-style: chr8-18084789-T-C. GRCh37 (hg19) VCF-style: chr8-17942298-T-C.
Other names: c.13A>G, p.Ile5Val (NM_001127505.3); short protein forms I5V.
Identifiers: ClinVar variation 5040535 (VCV005040535.1).